The following is an entry in ClinVar:

ClinVar aggregate classification (germline): Uncertain significance (1 of 4 stars; one submission).

Conditions:
3-hydroxy-3-methylglutaryl-CoA synthase deficiency (HMGCS2D). Also called: HMG-CoA synthase-2 deficiency; HMGCS2 DEFICIENCY; MITOCHONDRIAL HMG-CoA SYNTHASE DEFICIENCY. Identifiers: Orphanet 35701, MedGen C2751532, MONDO:0011614, OMIM 605911.

Submission:

Labcorp Genetics (formerly Invitae), Labcorp
Classification: Uncertain significance for 3-hydroxy-3-methylglutaryl-CoA synthase deficiency. Last evaluated: 2021-11-23. Review status: criteria provided, single submitter. Criteria: Invitae Variant Classification Sherloc (09022015). Collection method: clinical testing. Allele origin: germline.
Comment: In summary, the available evidence is currently insufficient to determine the role of this variant in disease. Therefore, it has been classified as a Variant of Uncertain Significance. Algorithms developed to predict the effect of missense changes on protein structure and function (SIFT, PolyPhen-2, Align-GVGD) all suggest that this variant is likely to be disruptive. This variant has not been reported in the literature in individuals affected with HMGCS2-related conditions. This variant is not present in population databases (gnomAD no frequency). This sequence change replaces isoleucine, which is neutral and non-polar, with valine, which is neutral and non-polar, at codon 197 of the HMGCS2 protein (p.Ile197Val).

NM_005518.4(HMGCS2):c.589A>G (p.Ile197Val)

Gene: HMGCS2 (3-hydroxy-3-methylglutaryl-CoA synthase 2; minus strand). Cytogenetic location: 1p12.
Variant type: single nucleotide variant.
Coding change: c.589A>G on transcript NM_005518.4 (MANE Select); coding-DNA position 589, A replaced by G.
Protein change: p.Ile197Val; replaces isoleucine 197 with valine.
Molecular consequence: missense variant. On other transcripts: intron variant (1).
Genome position (GRCh38, 1-based): chr1:119,759,960, T>C on the plus strand (A>G on the coding strand, the complement: HMGCS2 is on the minus strand). VCF-style: chr1-119759960-T-C. GRCh37 (hg19) VCF-style: chr1-120302583-T-C.
Other names: c.560-678A>G (NM_001166107.1); short protein forms I197V.
Identifiers: ClinVar variation 1464049 (VCV001464049.6), dbSNP rs2101263939, ClinGen allele CA341863141.